The following is an entry in ClinVar:

ClinVar aggregate classification (germline): Uncertain significance (1 of 4 stars; one submission).

Conditions:
Hereditary cancer-predisposing syndrome. Also called: Neoplastic Syndromes, Hereditary; Tumor predisposition; Hereditary Cancer Syndrome; Hereditary neoplastic syndrome. Identifiers: Orphanet 140162, MedGen C0027672, MeSH D009386, MONDO:0015356.

Submission:

Ambry Genetics
Classification: Uncertain significance for Hereditary cancer-predisposing syndrome. Last evaluated: 2021-01-21. Review status: criteria provided, single submitter. Criteria: Ambry Variant Classification Scheme 2023. Collection method: clinical testing. Allele origin: germline.
Comment: The p.V682A variant (also known as c.2045T>C), located in coding exon 12 of the ATM gene, results from a T to C substitution at nucleotide position 2045. The valine at codon 682 is replaced by alanine, an amino acid with similar properties. This amino acid position is well conserved in available vertebrate species. In addition, the in silico prediction for this alteration is inconclusive. Since supporting evidence is limited at this time, the clinical significance of this alteration remains unclear.

NM_000051.4(ATM):c.2045T>C (p.Val682Ala)

Gene: ATM (ATM serine/threonine kinase; plus strand). Cytogenetic location: 11q22.3.
Variant type: single nucleotide variant.
Coding change: c.2045T>C on transcript NM_000051.4 (MANE Select); coding-DNA position 2045, T replaced by C.
Protein change: p.Val682Ala; replaces valine 682 with alanine.
Molecular consequence: missense variant.
Genome position (GRCh38, 1-based): chr11:108,253,960, T>C. VCF-style: chr11-108253960-T-C. GRCh37 (hg19) VCF-style: chr11-108124687-T-C.
Other names: c.2045T>C, p.Val682Ala (NM_001351834.2); short protein forms V682A.
Identifiers: ClinVar variation 1784961 (VCV001784961.2), dbSNP rs1406284360, ClinGen allele CA382537430.